The following is an entry in ClinVar:

NC_000010.10:g.(?_126091476)_(126092509_?)del

Gene: OAT (ornithine aminotransferase; minus strand). Cytogenetic location: 10q26.13.
Variant type: Deletion.
Identifiers: ClinVar variation 3244809 (VCV003244809.1).

ClinVar aggregate classification (germline): Pathogenic (1 of 4 stars; one submission).

Conditions:
Ornithine aminotransferase deficiency (GACR). Also called: HYPERORNITHINEMIA WITH GYRATE ATROPHY OF CHOROID AND RETINA; OAT DEFICIENCY; OKT DEFICIENCY; Ornithine ketoacid aminotransferase deficiency; Gyrate atrophy; Gyrate atrophy of choroid and retina. Identifiers: Orphanet 414, MedGen C0018425, MONDO:0009796, OMIM 258870.

Submission:

Labcorp Genetics (formerly Invitae), Labcorp
Classification: Pathogenic for Ornithine aminotransferase deficiency. Last evaluated: 2023-03-01. Review status: criteria provided, single submitter. Criteria: Invitae Variant Classification Sherloc (09022015). Collection method: clinical testing. Allele origin: unknown.
Comment: This variant is a gross deletion of the genomic region encompassing exon(s) 6-7 of the OAT gene. This variant would be expected to be in-frame, preserving the integrity of the reading frame. This variant has not been reported in the literature in individuals affected with OAT-related conditions. This variant disrupts a region of the OAT protein in which other variant(s) (p.Leu294His) have been determined to be pathogenic (Invitae). This suggests that this is a clinically significant region of the protein, and that variants that disrupt it are likely to be disease-causing. For these reasons, this variant has been classified as Pathogenic.